The following is an entry in ClinVar:

NM_015662.3(IFT172):c.5127G>A (p.Lys1709=)

Genes: IFT172 (intraflagellar transport 172; minus strand), KRTCAP3 (keratinocyte associated protein 3; plus strand). Cytogenetic location: 2p23.3.
Variant type: single nucleotide variant.
Coding change: c.5127G>A on transcript NM_015662.3 (MANE Select); coding-DNA position 5127, G replaced by A.
Protein change: p.Lys1709=; no amino-acid change (lysine 1709 retained).
Molecular consequence: synonymous variant. On other transcripts: intron variant (1).
Genome position (GRCh38, 1-based): chr2:27,445,047, C>T on the plus strand (G>A on the coding strand, the complement: IFT172 is on the minus strand). VCF-style: chr2-27445047-C-T. GRCh37 (hg19) VCF-style: chr2-27667914-C-T.
Other names: c.5061G>A, p.Lys1687= (NM_001410739.1); c.*5+986C>T (NM_001168364.2).
Identifiers: ClinVar variation 4977017 (VCV004977017.1).

ClinVar aggregate classification (germline): Likely benign (1 of 4 stars; one submission).

Conditions:
IFT172-related disorder. Also called: IFT172-related condition; IFT172-related disorders.

gnomAD v4.1: 4 of 1,614,000 alleles (0.00025%); highest among the groups gnomAD compares: Middle Eastern, 0.016%; no homozygotes.

Submission:

PreventionGenetics, part of Exact Sciences
Classification: Likely benign for IFT172-related condition. Last evaluated: 2025-12-26. Review status: criteria provided, single submitter. Criteria: ACMG Guidelines, 2015. Collection method: clinical testing. Allele origin: germline.
Comment: This variant is classified as likely benign based on ACMG/AMP sequence variant interpretation guidelines (Richards et al. 2015 PMID: 25741868, with internal and published modifications).